The following is an entry in ClinVar:

ClinVar aggregate classification (germline): Pathogenic (1 of 4 stars; one submission).

Conditions:
Cohen syndrome (COH1). Also called: PEPPER SYNDROME; Cutis verticis gyrata, retinitis pigmentosa, and sensorineural deafness. Identifiers: Orphanet 193, MedGen C0265223, MONDO:0008999, OMIM 216550.

Allele frequency attached by ClinVar (database versions not stated): gnomAD exomes below 0.00001.

Submission:

Labcorp Genetics (formerly Invitae), Labcorp
Classification: Pathogenic for Cohen syndrome. Last evaluated: 2023-11-13. Review status: criteria provided, single submitter. Criteria: Invitae Variant Classification Sherloc (09022015). Collection method: clinical testing. Allele origin: germline.
Comment: This sequence change creates a premature translational stop signal (p.Leu836Glnfs*3) in the VPS13B gene. It is expected to result in an absent or disrupted protein product. Loss-of-function variants in VPS13B are known to be pathogenic (PMID: 15141358, 16648375, 20461111). This variant is not present in population databases (gnomAD no frequency). This variant has not been reported in the literature in individuals affected with VPS13B-related conditions. ClinVar contains an entry for this variant (Variation ID: 2414490). For these reasons, this variant has been classified as Pathogenic.

Literature cited by the submitters: PubMed 15141358; PubMed 16648375; PubMed 20461111.

NM_152564.5(VPS13B):c.2507del (p.Leu836fs)

Gene: VPS13B (vacuolar protein sorting 13 homolog B; plus strand). Cytogenetic location: 8q22.2.
Variant type: Deletion.
Coding change: c.2507del on transcript NM_152564.5 (MANE Select); coding-DNA position 2507, one base deleted (T; older notation c.2507delT).
Protein change: p.Leu836fs; shifts the reading frame from leucine 836.
Molecular consequence: frameshift variant.
Genome position (GRCh38, 1-based): chr8:99,193,049, T deleted. VCF-style (leftmost placement, unchanged base first): chr8-99193048-CT-C. GRCh37 (hg19) VCF-style: chr8-100205276-CT-C.
Other names: c.2507del, p.Leu836fs (NM_015243.3, NM_017890.5); short protein forms L836fs.
Identifiers: ClinVar variation 2414490 (VCV002414490.6), dbSNP rs2488955455, ClinGen allele CA2580079118.